The following is an entry in ClinVar:

ClinVar aggregate classification (germline): Uncertain significance. Review status: criteria provided, multiple submitters, no conflicts (2 of 4 stars). 2 submissions from 2 submitters: Uncertain significance (2). Last evaluated 2025-03-12.

Conditions:
Hereditary cancer-predisposing syndrome. Also called: Neoplastic Syndromes, Hereditary; Hereditary Cancer Syndrome; Tumor predisposition; Hereditary neoplastic syndrome. Identifiers: Orphanet 140162, MedGen C0027672, MeSH D009386, MONDO:0015356.
EGFR-related lung cancer (EGFR). Identifiers: MedGen CN130014.

Allele frequency attached by ClinVar (database versions not stated): ExAC 0.00001.
gnomAD v4.1: 3 of 1,613,544 alleles (0.00019%); highest among the groups gnomAD compares: Non-Finnish European, 0.00025%; no homozygotes.

Submissions (2):

Ambry Genetics
Classification: Uncertain significance for Hereditary cancer-predisposing syndrome. Last evaluated: 2025-03-12. Review status: criteria provided, single submitter. Criteria: Ambry Variant Classification Scheme 2023. Collection method: clinical testing. Allele origin: germline.
Comment: The p.T1078S variant (also known as c.3232A>T), located in coding exon 27 of the EGFR gene, results from an A to T substitution at nucleotide position 3232. The threonine at codon 1078 is replaced by serine, an amino acid with similar properties. This amino acid position is conserved. In addition, this alteration is predicted to be tolerated by in silico analysis. Based on the available evidence, the clinical significance of this variant remains unclear.

Labcorp Genetics (formerly Invitae), Labcorp
Classification: Uncertain significance for EGFR-related lung cancer. Last evaluated: 2023-11-16. Review status: criteria provided, single submitter. Criteria: Invitae Variant Classification Sherloc (09022015). Collection method: clinical testing. Allele origin: germline.
Comment: This sequence change replaces threonine, which is neutral and polar, with serine, which is neutral and polar, at codon 1078 of the EGFR protein (p.Thr1078Ser). This variant is present in population databases (rs751342391, gnomAD 0.0009%). This variant has not been reported in the literature in individuals affected with EGFR-related conditions. ClinVar contains an entry for this variant (Variation ID: 1937321). An algorithm developed to predict the effect of missense changes on protein structure and function (PolyPhen-2) suggests that this variant is likely to be tolerated. In summary, the available evidence is currently insufficient to determine the role of this variant in disease. Therefore, it has been classified as a Variant of Uncertain Significance.

NM_005228.5(EGFR):c.3232A>T (p.Thr1078Ser)

Gene: EGFR (epidermal growth factor receptor; plus strand). Cytogenetic location: 7p11.2.
Variant type: single nucleotide variant.
Coding change: c.3232A>T on transcript NM_005228.5 (MANE Select); coding-DNA position 3232, A replaced by T.
Protein change: p.Thr1078Ser; replaces threonine 1078 with serine.
Molecular consequence: missense variant.
Genome position (GRCh38, 1-based): chr7:55,202,586, A>T. VCF-style: chr7-55202586-A-T. GRCh37 (hg19) VCF-style: chr7-55270279-A-T.
Other names: c.3097A>T, p.Thr1033Ser (NM_001346897.2, NM_001346899.2); c.3232A>T, p.Thr1078Ser (NM_001346898.2); c.3073A>T, p.Thr1025Ser (NM_001346900.2); c.2431A>T, p.Thr811Ser (NM_001346941.2); short protein forms T1033S, T1078S, T811S, T1025S.
Identifiers: ClinVar variation 1937321 (VCV001937321.6), dbSNP rs751342391, ClinGen allele CA4266330.